The following is an entry in ClinVar:

NM_000230.3(LEP):c.21C>A (p.Cys7Ter)

Gene: LEP (leptin; plus strand). Cytogenetic location: 7q32.1.
Variant type: single nucleotide variant.
Coding change: c.21C>A on transcript NM_000230.3 (MANE Select); coding-DNA position 21, C replaced by A.
Protein change: p.Cys7Ter; replaces cysteine 7 with a stop codon.
Molecular consequence: nonsense.
Genome position (GRCh38, 1-based): chr7:128,252,039, C>A. VCF-style: chr7-128252039-C-A. GRCh37 (hg19) VCF-style: chr7-127892092-C-A.
Other names: short protein forms C7*.
Identifiers: ClinVar variation 5000284 (VCV005000284.1).

ClinVar aggregate classification (germline): Likely pathogenic (1 of 4 stars; one submission).

Conditions:
LEP-related disorder. Also called: LEP-related condition.

gnomAD v4.1: 2 of 1,614,168 alleles (0.00012%); highest among the groups gnomAD compares: South Asian, 0.0011%; no homozygotes.

Submission:

PreventionGenetics, part of Exact Sciences
Classification: Likely pathogenic for LEP-related condition. Last evaluated: 2025-03-05. Review status: criteria provided, single submitter. Criteria: ACMG Guidelines, 2015. Collection method: clinical testing. Allele origin: germline.
Comment: The LEP c.21C>A variant is predicted to result in premature protein termination (p.Cys7*). To our knowledge, this variant has not been reported in the literature or in a large population database (gnomAD), indicating this variant is rare. Nonsense variants in LEP are expected to be pathogenic. This variant is interpreted as likely pathogenic.